The following is an entry in ClinVar:

ClinVar aggregate classification (germline): Conflicting classifications of pathogenicity. Review status: criteria provided, conflicting classifications (1 of 4 stars). 5 submissions from 5 submitters: Uncertain significance (4); Likely benign (1). Last evaluated 2026-07-02.

Conditions:
TTN-related disorder. Also called: TTN-related condition; TTN-related disease; TTN-related disorders.
Hypertrophic cardiomyopathy 9. Also called: Familial hypertrophic cardiomyopathy 9. Identifiers: MedGen C1861065, MONDO:0013412, OMIM 613765.
Early-onset myopathy with fatal cardiomyopathy (CMYO5). Also called: CONGENITAL MYOPATHY 5 WITH CARDIOMYOPATHY; Salih Myopathy. Identifiers: Orphanet 289377, MedGen C2673677, MONDO:0012714, OMIM 611705. Disease mechanism: loss of function.
Autosomal recessive limb-girdle muscular dystrophy type 2J (LGMDR10). Also called: MUSCULAR DYSTROPHY, LIMB-GIRDLE, AUTOSOMAL RECESSIVE 10; Limb-girdle muscular dystrophy, type 2J. Identifiers: Orphanet 140922, MedGen C1837342, MONDO:0012127, OMIM 608807.
Dilated cardiomyopathy 1G (CMD1G). Identifiers: Orphanet 154, MedGen C1858763, MONDO:0011400, OMIM 604145.
Myopathy, myofibrillar, 9, with early respiratory failure (MFM9). Also called: Myopathy, distal, with early respiratory failure, autosomal dominant; Hereditary myopathy with early respiratory failure; EDSTROM MYOPATHY; MYOPATHY, PROXIMAL, WITH EARLY RESPIRATORY MUSCLE INVOLVEMENT. Identifiers: Orphanet 178464, Orphanet 34521, MedGen C1863599, MONDO:0011362, OMIM 603689.
Tibial muscular dystrophy (TMD). Also called: Tibial muscular dystrophy, tardive; Udd Distal Myopathy – Tibial Muscular Dystrophy; UDD MYOPATHY. Identifiers: Orphanet 609, MedGen C1838244, MONDO:0010870, OMIM 600334.

Allele frequency attached by ClinVar (database versions not stated): gnomAD exomes 0.00001 and 0.00008; TOPMed 0.00002; ExAC 0.00006.
gnomAD v4.1: 23 of 1,611,076 alleles (0.0014%); highest among the groups gnomAD compares: Admixed American, 0.034%; no homozygotes.

Submissions (5):

PreventionGenetics, part of Exact Sciences
Classification: Uncertain significance for TTN-related condition. Last evaluated: 2026-07-02. Review status: criteria provided, single submitter. Criteria: ACMG Guidelines, 2015. Collection method: clinical testing. Allele origin: germline.
Comment: The TTN c.33650C>T variant is predicted to result in the amino acid substitution p.Ala11217Val. To our knowledge, this variant has not been reported in the literature. This variant is reported in 0.056% of alleles in individuals of Latino descent in gnomAD. At this time, the clinical significance of this variant is uncertain due to the absence of conclusive functional and genetic evidence.

Fulgent Genetics
Classification: Uncertain significance for Tibial muscular dystrophy; Myopathy, myofibrillar, 9, with early respiratory failure; Dilated cardiomyopathy 1G; Autosomal recessive limb-girdle muscular dystrophy type 2J; Early-onset myopathy with fatal cardiomyopathy; Hypertrophic cardiomyopathy 9. Last evaluated: 2021-07-19. Review status: criteria provided, single submitter. Criteria: ACMG Guidelines, 2015. Collection method: clinical testing. Allele origin: unknown.

Blueprint Genetics
Classification: Likely benign. Last evaluated: 2021-07-06. Review status: criteria provided, single submitter. Criteria: ACMG Guidelines, 2015. Collection method: clinical testing. Allele origin: germline.

Eurofins Ntd Llc (ga)
Classification: Uncertain significance. Last evaluated: 2018-06-15. Review status: criteria provided, single submitter. Criteria: EGL ClinVar v180209 classification definitions. Collection method: clinical testing. Allele origin: germline. Observed: 1 variant allele, 1 heterozygote.

Athena Diagnostics
Classification: Uncertain significance. Last evaluated: 2017-09-15. Review status: criteria provided, single submitter. Criteria: Athena Diagnostics Criteria. Collection method: clinical testing. Allele origin: germline.

NM_001267550.2(TTN):c.33650C>T (p.Ala11217Val)

Gene: TTN (titin; minus strand). Cytogenetic location: 2q31.2.
Variant type: single nucleotide variant.
Coding change: c.33650C>T on transcript NM_001267550.2 (MANE Select); coding-DNA position 33650, C replaced by T.
Protein change: p.Ala11217Val; replaces alanine 11217 with valine.
Molecular consequence: missense variant. On other transcripts: intron variant (3).
Genome position (GRCh38, 1-based): chr2:178,679,613, G>A on the plus strand (C>T on the coding strand, the complement: TTN is on the minus strand). VCF-style: chr2-178679613-G-A. GRCh37 (hg19) VCF-style: chr2-179544340-G-A.
Other names: c.32699C>T, p.Ala10900Val (NM_001256850.1); c.29918C>T, p.Ala9973Val (NM_133378.4); c.13283-37296C>T (NM_003319.4); c.13859-37296C>T (NM_133437.4); c.13658-37296C>T (NM_133432.3); c.33650C>T (LRG_391t1); short protein forms A11217V, A9973V, A10900V.
Identifiers: ClinVar variation 586881 (VCV000586881.9), dbSNP rs750612476, ClinGen allele CA1998288.